The following is an entry in ClinVar:

NM_018896.5(CACNA1G):c.7015G>A (p.Asp2339Asn)

Gene: CACNA1G (calcium voltage-gated channel subunit alpha1 G; plus strand). Cytogenetic location: 17q21.33.
Variant type: single nucleotide variant.
Coding change: c.7015G>A on transcript NM_018896.5 (MANE Select); coding-DNA position 7015, G replaced by A.
Protein change: p.Asp2339Asn; replaces aspartic acid 2339 with asparagine.
Molecular consequence: missense variant. On other transcripts: non-coding transcript variant (5).
Genome position (GRCh38, 1-based): chr17:50,626,632, G>A. VCF-style: chr17-50626632-G-A. GRCh37 (hg19) VCF-style: chr17-48703993-G-A.
Other names: c.6826G>A, p.Asp2276Asn (NM_001256324.2); c.6757G>A, p.Asp2253Asn (NM_001256325.2); c.6745G>A, p.Asp2249Asn (NM_001256326.2); c.6715G>A, p.Asp2239Asn (NM_001256327.2); c.6661G>A, p.Asp2221Asn (NM_001256328.2); c.6634G>A, p.Asp2212Asn (NM_001256329.2, NM_198387.3); c.6601G>A, p.Asp2201Asn (NM_001256330.2); c.6580G>A, p.Asp2194Asn (NM_001256331.2); and 18 more; short protein forms D2133N, D2156N, D2167N, D2189N, D2194N, D2201N, D2205N, D2208N.
Identifiers: ClinVar variation 2579892 (VCV002579892.1), dbSNP rs750368272, ClinGen allele CA8653792.

ClinVar aggregate classification (germline): Uncertain significance (1 of 4 stars; one submission).

Allele frequency attached by ClinVar (database versions not stated): gnomAD exomes below 0.00001; TOPMed below 0.00001; ExAC 0.00001; gnomAD 0.00001.
gnomAD v4.1: 6 of 1,612,436 alleles (0.00037%); highest among the groups gnomAD compares: South Asian, 0.0022%; no homozygotes.

Submission:

GeneDx
Classification: Uncertain significance. Last evaluated: 2023-03-16. Review status: criteria provided, single submitter. Criteria: GeneDx Variant Classification Process June 2021. Collection method: clinical testing. Allele origin: germline. Affected: yes.
Comment: Not observed at significant frequency in large population cohorts (gnomAD); In silico analysis supports that this missense variant does not alter protein structure/function; Has not been previously published as pathogenic or benign to our knowledge